The following is an entry in ClinVar:

ClinVar aggregate classification (germline): Uncertain significance (1 of 4 stars; one submission).

Conditions:
Familial Mediterranean fever (FMF). Also called: POLYSEROSITIS, FAMILIAL PAROXYSMAL; POLYSEROSITIS, RECURRENT; Periodic peritonitis; Benign paroxysmal peritonitis. Identifiers: Orphanet 342, MedGen C0031069, MONDO:0018088, OMIM 249100. Disease mechanism: gain of function.

Submission:

Labcorp Genetics (formerly Invitae), Labcorp
Classification: Uncertain significance for Familial Mediterranean fever. Last evaluated: 2019-07-09. Review status: criteria provided, single submitter. Criteria: Invitae Variant Classification Sherloc (09022015). Collection method: clinical testing. Allele origin: germline.
Comment: This sequence change creates a premature translational stop signal (p.Thr540Serfs*5) in the MEFV gene. It is expected to result in an absent or disrupted protein product. This variant is not present in population databases (ExAC no frequency). This variant has not been reported in the literature in individuals with MEFV-related conditions. The current clinical and genetic evidence is not sufficient to establish whether loss-of-function variants in MEFV cause disease. In summary, the available evidence is currently insufficient to determine the role of this variant in disease. Therefore, it has been classified as a Variant of Uncertain Significance.

NM_000243.3(MEFV):c.1619_1620del (p.Thr540fs)

Gene: MEFV (MEFV innate immunity regulator, pyrin; minus strand). Cytogenetic location: 16p13.3.
Variant type: Deletion.
Coding change: c.1619_1620del on transcript NM_000243.3 (MANE Select); coding-DNA positions 1619 to 1620, 2 bases deleted (CA; older notation c.1619_1620delCA).
Protein change: p.Thr540fs; shifts the reading frame from threonine 540.
Molecular consequence: frameshift variant.
Genome position (GRCh38, 1-based): chr16:3,244,579-3,244,580, TG deleted on the plus strand (CA on the coding strand, the reverse complement: MEFV is on the minus strand); deleting any 2 consecutive bases within chr16:3,244,579-3,244,581 gives the same sequence; the c. name uses the placement nearest the transcript's 3' end. VCF-style (leftmost placement, unchanged base first): chr16-3244578-CTG-C. GRCh37 (hg19) VCF-style: chr16-3294578-CTG-C.
Other names: c.986_987del, p.Thr329fs (NM_001198536.2); short protein forms T329fs, T540fs.
Identifiers: ClinVar variation 842095 (VCV000842095.7), dbSNP rs1958911254, ClinGen allele CA916079966.